The following is an entry in ClinVar:

ClinVar aggregate classification (germline): Conflicting classifications of pathogenicity. Review status: criteria provided, conflicting classifications (1 of 4 stars). 2 submissions from 2 submitters: Uncertain significance (1); Likely benign (1). Last evaluated 2023-12-05.

Conditions:
Hereditary cancer-predisposing syndrome. Also called: Neoplastic Syndromes, Hereditary; Tumor predisposition; Hereditary neoplastic syndrome; Hereditary Cancer Syndrome. Identifiers: Orphanet 140162, MedGen C0027672, MeSH D009386, MONDO:0015356.

Allele frequency attached by ClinVar (database versions not stated): ExAC 0.00001; gnomAD 0.00001; gnomAD exomes below 0.00001.
gnomAD v4.1: 1 of 1,607,476 alleles (0.000062%); highest among the groups gnomAD compares: East Asian, 0.0022%; no homozygotes.

Submissions (2):

Color Diagnostics, LLC DBA Color Health
Classification: Uncertain significance for Hereditary cancer-predisposing syndrome. Last evaluated: 2023-12-05. Review status: criteria provided, single submitter. Criteria: ACMG Guidelines, 2015. Collection method: clinical testing. Allele origin: germline.
Comment: This missense variant replaces lysine with arginine at codon 1061 of the BRCA2 protein. Computational prediction suggests that this variant may not impact protein structure and function (internally defined REVEL score threshold <= 0.5, PMID: 27666373). To our knowledge, functional studies have not been reported for this variant. This variant has not been reported in individuals affected with BRCA2-related disorders in the literature. This variant has been identified in 1/246850 chromosomes in the general population by the Genome Aggregation Database (gnomAD). The available evidence is insufficient to determine the role of this variant in disease conclusively. Therefore, this variant is classified as a Variant of Uncertain Significance.

University of Washington Department of Laboratory Medicine, University of Washington
Classification: Likely benign for Hereditary cancer-predisposing syndrome. Last evaluated: 2023-03-23. Review status: criteria provided, single submitter. Criteria: Dines et al. (Genet Med. 2020). Collection method: curation. Allele origin: germline.
Comment: Missense variant in a coldspot region where missense variants are very unlikely to be pathogenic (PMID:31911673).

BRCA2 exon 11 coldspot. Reclassification based on statistical prior probability.

NM_000059.4(BRCA2):c.3182A>G (p.Lys1061Arg)

Gene: BRCA2 (BRCA2 DNA repair associated; plus strand). Cytogenetic location: 13q13.1.
Variant type: single nucleotide variant.
Coding change: c.3182A>G on transcript NM_000059.4 (MANE Select); coding-DNA position 3182, A replaced by G.
Protein change: p.Lys1061Arg; replaces lysine 1061 with arginine.
Molecular consequence: missense variant.
Genome position (GRCh38, 1-based): chr13:32,337,537, A>G. VCF-style: chr13-32337537-A-G. GRCh37 (hg19) VCF-style: chr13-32911674-A-G.
Other names: short protein forms K1061R.
Identifiers: ClinVar variation 628304 (VCV000628304.7), dbSNP rs776099423, ClinGen allele CA6940673.